The following is an entry in ClinVar:

NM_000431.4(MVK):c.1175C>T (p.Ala392Val)

Gene: MVK (mevalonate kinase; plus strand). Cytogenetic location: 12q24.11.
Variant type: single nucleotide variant.
Coding change: c.1175C>T on transcript NM_000431.4 (MANE Select); coding-DNA position 1175, C replaced by T.
Protein change: p.Ala392Val; replaces alanine 392 with valine.
Molecular consequence: missense variant.
Genome position (GRCh38, 1-based): chr12:109,596,561, C>T. VCF-style: chr12-109596561-C-T. GRCh37 (hg19) VCF-style: chr12-110034366-C-T.
Other names: c.1175C>T, p.Ala392Val (NM_001114185.3); c.1019C>T, p.Ala340Val (NM_001301182.2); short protein forms A340V, A392V.
Identifiers: ClinVar variation 937176 (VCV000937176.9), dbSNP rs1189179026, ClinGen allele CA386651492.

ClinVar aggregate classification (germline): Uncertain significance (1 of 4 stars; one submission).

Conditions:
Porokeratosis 3, disseminated superficial actinic type (POROK3). Also called: POROKERATOSIS, DISSEMINATED SUPERFICIAL ACTINIC, 1; POROKERATOSIS 3, MULTIPLE TYPES; POROKERATOSIS 3, MIBELLI TYPE. Identifiers: MedGen C1867981, MONDO:0008293, OMIM 175900.
Mevalonic aciduria (MEVA). Identifiers: Orphanet 29, MedGen C1959626, MONDO:0012481, OMIM 610377.
Hyperimmunoglobulin D with periodic fever (HIDS). Also called: Hyperimmunoglobulinemia D; Hyperimmunoglobulinemia D with periodic fever; HYPERIMMUNOGLOBULINEMIA D AND PERIODIC FEVER SYNDROME. Identifiers: Orphanet 343, MedGen C0398691, MONDO:0009849, OMIM 260920.

Allele frequency attached by ClinVar (database versions not stated): gnomAD exomes 0.00001.
gnomAD v4.1: 7 of 1,610,344 alleles (0.00043%); highest among the groups gnomAD compares: African/African-American, 0.0013%; no homozygotes.

Submission:

Labcorp Genetics (formerly Invitae), Labcorp
Classification: Uncertain significance for Mevalonic aciduria; Hyperimmunoglobulin D with periodic fever; Porokeratosis 3, disseminated superficial actinic type. Last evaluated: 2022-03-19. Review status: criteria provided, single submitter. Criteria: Invitae Variant Classification Sherloc (09022015). Collection method: clinical testing. Allele origin: germline.
Comment: This sequence change replaces alanine, which is neutral and non-polar, with valine, which is neutral and non-polar, at codon 392 of the MVK protein (p.Ala392Val). This variant is not present in population databases (gnomAD no frequency). This variant has not been reported in the literature in individuals affected with MVK-related conditions. ClinVar contains an entry for this variant (Variation ID: 937176). Algorithms developed to predict the effect of missense changes on protein structure and function (SIFT, PolyPhen-2, Align-GVGD) all suggest that this variant is likely to be tolerated. In summary, the available evidence is currently insufficient to determine the role of this variant in disease. Therefore, it has been classified as a Variant of Uncertain Significance.